The following is an entry in ClinVar:

NM_194292.3(SASS6):c.862-5T>C

Gene: SASS6 (SAS-6 centriolar assembly protein; minus strand). Cytogenetic location: 1p21.2.
Variant type: single nucleotide variant.
Coding change: c.862-5T>C on transcript NM_194292.3 (MANE Select); 5 bases into the intron before coding-DNA position 862, T replaced by C.
Molecular consequence: intron variant.
Genome position (GRCh38, 1-based): chr1:100,108,009, A>G on the plus strand (T>C on the coding strand, the complement: SASS6 is on the minus strand). VCF-style: chr1-100108009-A-G. GRCh37 (hg19) VCF-style: chr1-100573565-A-G.
Other names: c.361-5T>C (NM_001304829.2); c.862-5T>C (NM_194292.2).
Identifiers: ClinVar variation 2265754 (VCV002265754.4), dbSNP rs372881039, ClinGen allele CA968383.

ClinVar aggregate classification (germline): Likely benign. Review status: criteria provided, single submitter (1 of 4 stars). 2 submissions from 2 submitters: Likely benign (1). 1 of the submissions does not count toward it. Last evaluated 2022-08-22.

Conditions:
SASS6-related disorder. Also called: SASS6-related condition.
Inborn genetic diseases. Identifiers: MedGen C0950123, MeSH D030342.

Allele frequency attached by ClinVar (database versions not stated): gnomAD exomes 0.00003; ExAC 0.00021; gnomAD 0.00036; TOPMed 0.00044; ESP Exome Variant Server 0.00062.
gnomAD v4.1: 92 of 1,566,160 alleles (0.0059%); highest among the groups gnomAD compares: African/African-American, 0.12%; no homozygotes.

Submissions (2):

Ambry Genetics
Classification: Likely benign for Inborn genetic diseases. Last evaluated: 2022-08-22. Review status: criteria provided, single submitter. Criteria: Ambry Variant Classification Scheme 2023. Collection method: clinical testing. Allele origin: germline.

PreventionGenetics, part of Exact Sciences
Classification: Likely benign for SASS6-related condition. Last evaluated: 2019-11-26. Review status: no assertion criteria provided. Collection method: clinical testing. Allele origin: germline. Not counted in ClinVar's aggregate classification.
Comment: This variant is classified as likely benign based on ACMG/AMP sequence variant interpretation guidelines (Richards et al. 2015 PMID: 25741868, with internal and published modifications).